The following is an entry in ClinVar:

ClinVar aggregate classification (germline): Uncertain significance. Review status: criteria provided, multiple submitters, no conflicts (2 of 4 stars). 3 submissions from 3 submitters: Uncertain significance (3). Last evaluated 2025-12-08.

Conditions:
Developmental and epileptic encephalopathy, 1 (DEE1). Also called: X-linked infantile spasms; West's syndrome; Tonic spasms with clustering, arrest of psychomotor development and hypsarrhythmia on EEG; X-Linked Infantile Spasm Syndrome; OHTAHARA SYNDROME, X-LINKED; Epileptic encephalopathy, early infantile, 1. Identifiers: MedGen C3463992, MONDO:0010632, OMIM 308350. Disease mechanism: loss of function.
Autosomal dominant nonsyndromic hearing loss 65. Also called: Deafness, autosomal dominant 65; TBC1D24-Related Autosomal Dominant Nonsyndromic Hearing Loss (DFNA). Identifiers: Orphanet 90635, MedGen C3892048, MONDO:0014470, OMIM 616044.
Inborn genetic diseases. Identifiers: MedGen C0950123, MeSH D030342.

Allele frequency attached by ClinVar (database versions not stated): gnomAD exomes 0.00001 and 0.00002; gnomAD 0.00003 and 0.00004; TOPMed below 0.00001; ExAC 0.00002.
gnomAD v4.1: 17 of 1,610,234 alleles (0.0011%); highest among the groups gnomAD compares: South Asian, 0.0055%; no homozygotes.

Submissions (3):

Ambry Genetics
Classification: Uncertain significance for Inborn genetic diseases. Last evaluated: 2025-12-08. Review status: criteria provided, single submitter. Criteria: Ambry Variant Classification Scheme 2023. Collection method: clinical testing. Allele origin: germline.

Labcorp Genetics (formerly Invitae), Labcorp
Classification: Uncertain significance for Developmental and epileptic encephalopathy, 1; Autosomal dominant nonsyndromic hearing loss 65. Last evaluated: 2025-07-30. Review status: criteria provided, single submitter. Criteria: Invitae Variant Classification Sherloc (09022015). Collection method: clinical testing. Allele origin: germline.
Comment: This sequence change replaces arginine, which is basic and polar, with cysteine, which is neutral and slightly polar, at codon 526 of the TBC1D24 protein (p.Arg526Cys). This variant is present in population databases (rs767145914, gnomAD 0.02%). This variant has not been reported in the literature in individuals affected with TBC1D24-related conditions. ClinVar contains an entry for this variant (Variation ID: 506193). Invitae Evidence Modeling of protein sequence and biophysical properties (such as structural, functional, and spatial information, amino acid conservation, physicochemical variation, residue mobility, and thermodynamic stability) has been performed for this missense variant. However, the output from this modeling did not meet the statistical confidence thresholds required to predict the impact of this variant on TBC1D24 protein function. In summary, the available evidence is currently insufficient to determine the role of this variant in disease. Therefore, it has been classified as a Variant of Uncertain Significance.

Laboratory for Molecular Medicine, Mass General Brigham Personalized Medicine
Classification: Uncertain significance. Last evaluated: 2017-12-05. Review status: criteria provided, single submitter. Criteria: LMM Criteria. Collection method: clinical testing. Allele origin: germline. Observed: 2 variant alleles.
Comment: The p.Arg526Cys variant in TBC1D24 has not been previously reported in individua ls with hearing loss. This variant has been identified in 5/22404 Finnish chromo somes by the Genome Aggregation Database (gnomAD, rg; dbSNP rs767145914). Although this variant has been seen in the general popul ation, its frequency is not high enough to rule out a pathogenic role. Computati onal prediction tools and conservation analysis suggest that the p.Arg526Cys var iant may impact the protein, though this information is not predictive enough to determine pathogenicity. In summary, the clinical significance of the p.Arg526C ys variant is uncertain. ACMG/AMP Criteria applied: PP3.

NM_001199107.2(TBC1D24):c.1576C>T (p.Arg526Cys)

Gene: TBC1D24 (TBC1 domain family member 24; plus strand). Cytogenetic location: 16p13.3.
Variant type: single nucleotide variant.
Coding change: c.1576C>T on transcript NM_001199107.2 (MANE Select); coding-DNA position 1576, C replaced by T.
Protein change: p.Arg526Cys; replaces arginine 526 with cysteine.
Molecular consequence: missense variant.
Genome position (GRCh38, 1-based): chr16:2,500,854, C>T. VCF-style: chr16-2500854-C-T. GRCh37 (hg19) VCF-style: chr16-2550855-C-T.
Other names: c.1558C>T, p.Arg520Cys (NM_020705.3); short protein forms R526C, R520C.
Identifiers: ClinVar variation 506193 (VCV000506193.14), dbSNP rs767145914, ClinGen allele CA7844349.